The following is an entry in ClinVar:

NM_002496.4(NDUFS8):c.229C>T (p.Arg77Trp)

Gene: NDUFS8 (NADH:ubiquinone oxidoreductase core subunit S8; plus strand). Cytogenetic location: 11q13.2.
Variant type: single nucleotide variant.
Coding change: c.229C>T on transcript NM_002496.4 (MANE Select); coding-DNA position 229, C replaced by T.
Protein change: p.Arg77Trp; replaces arginine 77 with tryptophan.
Molecular consequence: missense variant.
Genome position (GRCh38, 1-based): chr11:68,033,140, C>T. VCF-style: chr11-68033140-C-T. GRCh37 (hg19) VCF-style: chr11-67800607-C-T.
Other names: c.229C>T (NM_002496.3); short protein forms R77W.
Identifiers: ClinVar variation 39833 (VCV000039833.4), dbSNP rs146766138, ClinGen allele CA130611.

ClinVar aggregate classification (germline): Uncertain significance. Review status: criteria provided, multiple submitters, no conflicts (2 of 4 stars). 3 submissions from 3 submitters: Uncertain significance (2). 1 of the submissions does not count toward it. Last evaluated 2024-03-25.

Conditions:
Mitochondrial complex I deficiency, nuclear type 2. Also called: Mitochondrial complex 1 deficiency, nuclear type 2. Identifiers: MedGen C4748737, MONDO:0032606, OMIM 618222.

Allele frequency attached by ClinVar (database versions not stated): TOPMed 0.00002; gnomAD exomes 0.00004; gnomAD 0.00002; ExAC 0.00004; ESP Exome Variant Server 0.00015.
gnomAD v4.1: 19 of 1,612,682 alleles (0.0012%); highest among the groups gnomAD compares: Admixed American, 0.005%; no homozygotes.

Submissions (3):

Genomic Medicine Center of Excellence, King Faisal Specialist Hospital and Research Centre
Classification: Uncertain significance for Mitochondrial complex I deficiency, nuclear type 2. Last evaluated: 2024-03-25. Review status: criteria provided, single submitter. Criteria: ACMG Guidelines, 2015. Collection method: research. Allele origin: germline.

GeneDx
Classification: Uncertain significance. Last evaluated: 2017-07-25. Review status: criteria provided, single submitter. Criteria: GeneDx Variant Classification (06012015). Collection method: clinical testing. Allele origin: germline. Affected: yes.
Comment: The R77W variant in the NDUFS8 gene has previously been reported in an individual with isolated complex I deficiency, who also harbors a second variant in this gene. Complex I activity was significantly decreased in both the muscle and fibroblasts of this individual (Haack et al., 2012). This variant is not observed at a significant frequency in large population cohorts (Lek et al., 2016; 1000 Genomes Consortium et al., 2015; Exome Variant Server). The R77W variant is a non-conservative amino acid substitution, which is likely to impact secondary protein structure as these residues differ in polarity, charge, size and/or other properties. This substitution occurs at a position that is conserved across species, and in silico analysis predicts this variant is probably damaging to the protein structure/function. Based on currently available evidence, we interpret R77W as a variant of uncertain significance.

OMIM
Classification: Pathogenic for MITOCHONDRIAL COMPLEX I DEFICIENCY, NUCLEAR TYPE 2. Last evaluated: 2012-04-01. Review status: no assertion criteria provided. Collection method: literature only. Allele origin: germline. Not counted in ClinVar's aggregate classification.

Literature cited by the submitters: PubMed 22499348 (cited by OMIM).